The following is an entry in ClinVar:

ClinVar aggregate classification (germline): Uncertain significance (0 of 4 stars; one submission).

Conditions:
RPGRIP1L-related disorder. Also called: RPGRIP1L-related condition; RPGRIP1L-related disorders. Identifiers: MedGen CN239416.

Submission:

PreventionGenetics, part of Exact Sciences
Classification: Uncertain significance for RPGRIP1L-related condition. Last evaluated: 2024-01-31. Review status: no assertion criteria provided. Collection method: clinical testing. Allele origin: germline.
Comment: The RPGRIP1L c.3830T>C variant is predicted to result in the amino acid substitution p.Ile1277Thr. To our knowledge, this variant has not been reported in the literature or in a large population database, indicating this variant is rare. At this time, the clinical significance of this variant is uncertain due to the absence of conclusive functional and genetic evidence.

NM_015272.5(RPGRIP1L):c.3830T>C (p.Ile1277Thr)

Gene: RPGRIP1L (RPGRIP1 like; minus strand). Cytogenetic location: 16q12.2.
Variant type: single nucleotide variant.
Coding change: c.3830T>C on transcript NM_015272.5 (MANE Select); coding-DNA position 3830, T replaced by C.
Protein change: p.Ile1277Thr; replaces isoleucine 1277 with threonine.
Molecular consequence: missense variant.
Genome position (GRCh38, 1-based): chr16:53,605,486, A>G on the plus strand (T>C on the coding strand, the complement: RPGRIP1L is on the minus strand). VCF-style: chr16-53605486-A-G. GRCh37 (hg19) VCF-style: chr16-53639398-A-G.
Other names: c.3590T>C, p.Ile1197Thr (NM_001127897.4); c.3692T>C, p.Ile1231Thr (NM_001308334.3); c.3728T>C, p.Ile1243Thr (NM_001330538.2); short protein forms I1197T, I1231T, I1243T, I1277T.
Identifiers: ClinVar variation 3353897 (VCV003353897.1).